The following is an entry in ClinVar:

NM_173630.4(RTTN):c.3390A>G (p.Leu1130=)

Gene: RTTN (rotatin; minus strand). Cytogenetic location: 18q22.2.
Variant type: single nucleotide variant.
Coding change: c.3390A>G on transcript NM_173630.4 (MANE Select); coding-DNA position 3390, A replaced by G.
Protein change: p.Leu1130=; no amino-acid change (leucine 1130 retained).
Molecular consequence: synonymous variant.
Genome position (GRCh38, 1-based): chr18:70,121,694, T>C on the plus strand (A>G on the coding strand, the complement: RTTN is on the minus strand). VCF-style: chr18-70121694-T-C. GRCh37 (hg19) VCF-style: chr18-67788930-T-C.
Other names: c.654A>G, p.Leu218= (NM_001318520.2); c.3390A>G (NM_173630.3).
Identifiers: ClinVar variation 2046112 (VCV002046112.6), dbSNP rs370872193, ClinGen allele CA8995595.

ClinVar aggregate classification (germline): Likely benign. Review status: criteria provided, single submitter (1 of 4 stars). 2 submissions from 2 submitters: Likely benign (1). 1 of the submissions does not count toward it. Last evaluated 2023-11-25.

Conditions:
RTTN-related disorder. Also called: RTTN-related condition.

Allele frequency attached by ClinVar (database versions not stated): gnomAD 0.00002; TOPMed 0.00004; ExAC 0.00005; ESP Exome Variant Server 0.00009; gnomAD exomes 0.00002.
gnomAD v4.1: 33 of 1,542,980 alleles (0.0021%); highest among the groups gnomAD compares: Non-Finnish European, 0.00043%; no homozygotes.

Submissions (2):

Labcorp Genetics (formerly Invitae), Labcorp
Classification: Likely benign. Last evaluated: 2023-11-25. Review status: criteria provided, single submitter. Criteria: Invitae Variant Classification Sherloc (09022015). Collection method: clinical testing. Allele origin: germline.

PreventionGenetics, part of Exact Sciences
Classification: Likely benign for RTTN-related condition. Last evaluated: 2023-05-30. Review status: no assertion criteria provided. Collection method: clinical testing. Allele origin: germline. Not counted in ClinVar's aggregate classification.
Comment: This variant is classified as likely benign based on ACMG/AMP sequence variant interpretation guidelines (Richards et al. 2015 PMID: 25741868, with internal and published modifications).